The following is an entry in ClinVar:

NM_000088.4(COL1A1):c.1347A>G (p.Gly449=)

Gene: COL1A1 (collagen type I alpha 1 chain; minus strand). Cytogenetic location: 17q21.33.
Variant type: single nucleotide variant.
Coding change: c.1347A>G on transcript NM_000088.4 (MANE Select); coding-DNA position 1347, A replaced by G.
Protein change: p.Gly449=; no amino-acid change (glycine 449 retained).
Molecular consequence: synonymous variant.
Genome position (GRCh38, 1-based): chr17:50,195,053, T>C on the plus strand (A>G on the coding strand, the complement: COL1A1 is on the minus strand). VCF-style: chr17-50195053-T-C. GRCh37 (hg19) VCF-style: chr17-48272414-T-C.
Identifiers: ClinVar variation 1254203 (VCV001254203.15), dbSNP rs757237837, ClinGen allele CA8645290.

ClinVar aggregate classification (germline): Likely benign. Review status: criteria provided, multiple submitters, no conflicts (2 of 4 stars). 5 submissions from 5 submitters: Likely benign (4). 1 of the submissions does not count toward it. Last evaluated 2025-11-03.

Conditions:
Cardiovascular phenotype. Identifiers: MedGen CN230736.
COL1A1-related disorder. Also called: COL1A1- related disease; COL1A1-related condition.
Osteogenesis imperfecta type I (OI1). Also called: Classic Non-deforming Osteogenesis Imperfecta with Blue Sclerae; OI, TYPE I; OSTEOGENESIS IMPERFECTA TARDA; OSTEOGENESIS IMPERFECTA WITH BLUE SCLERAE; Osteogenesis imperfecta type 1; Lobstein's Disease. Identifiers: Orphanet 216796, Orphanet 666, MedGen C0023931, MONDO:0008146, OMIM 166200. Disease mechanism: loss of function.

Allele frequency attached by ClinVar (database versions not stated): ExAC 0.00003; TOPMed 0.00013; gnomAD 0.00014 and 0.00012; gnomAD exomes 0.00004 and 0.00001.
gnomAD v4.1: 39 of 1,613,478 alleles (0.0024%); highest among the groups gnomAD compares: African/African-American, 0.044%; no homozygotes.

Submissions (5):

Labcorp Genetics (formerly Invitae), Labcorp
Classification: Likely benign for Osteogenesis imperfecta type I. Last evaluated: 2025-11-03. Review status: criteria provided, single submitter. Criteria: Invitae Variant Classification Sherloc (09022015). Collection method: clinical testing. Allele origin: germline.

Blueprint Genetics
Classification: Likely benign. Last evaluated: 2024-08-28. Review status: criteria provided, single submitter. Criteria: ACMG Guidelines, 2015. Collection method: clinical testing. Allele origin: germline.

Ambry Genetics
Classification: Likely benign for Cardiovascular phenotype. Last evaluated: 2022-04-23. Review status: criteria provided, single submitter. Criteria: Ambry Variant Classification Scheme 2023. Collection method: clinical testing. Allele origin: germline.

GeneDx
Classification: Likely benign. Last evaluated: 2021-02-18. Review status: criteria provided, single submitter. Criteria: GeneDx Variant Classification Process June 2021. Collection method: clinical testing. Allele origin: germline. Affected: yes.

PreventionGenetics, part of Exact Sciences
Classification: Likely benign for COL1A1-related condition. Last evaluated: 2020-02-14. Review status: no assertion criteria provided. Collection method: clinical testing. Allele origin: germline. Not counted in ClinVar's aggregate classification.
Comment: This variant is classified as likely benign based on ACMG/AMP sequence variant interpretation guidelines (Richards et al. 2015 PMID: 25741868, with internal and published modifications).